The following is an entry in ClinVar:

ClinVar aggregate classification (germline): Uncertain significance (1 of 4 stars; one submission).

gnomAD v4.1: 1 of 1,614,128 alleles (0.000062%); highest among the groups gnomAD compares: Non-Finnish European, 0.000085%; no homozygotes.

Submission:

Labcorp Genetics (formerly Invitae), Labcorp
Classification: Uncertain significance. Last evaluated: 2023-04-20. Review status: criteria provided, single submitter. Criteria: Invitae Variant Classification Sherloc (09022015). Collection method: clinical testing. Allele origin: germline.
Comment: In summary, the available evidence is currently insufficient to determine the role of this variant in disease. Therefore, it has been classified as a Variant of Uncertain Significance. Advanced modeling of protein sequence and biophysical properties (such as structural, functional, and spatial information, amino acid conservation, physicochemical variation, residue mobility, and thermodynamic stability) performed at Invitae indicates that this missense variant is expected to disrupt MCM2 protein function. This variant has not been reported in the literature in individuals affected with MCM2-related conditions. This variant is not present in population databases (gnomAD no frequency). This sequence change replaces cysteine, which is neutral and slightly polar, with phenylalanine, which is neutral and non-polar, at codon 661 of the MCM2 protein (p.Cys661Phe).

NM_004526.4(MCM2):c.1982G>T (p.Cys661Phe)

Gene: MCM2 (minichromosome maintenance complex component 2; plus strand). Cytogenetic location: 3q21.3.
Variant type: single nucleotide variant.
Coding change: c.1982G>T on transcript NM_004526.4 (MANE Select); coding-DNA position 1982, G replaced by T.
Protein change: p.Cys661Phe; replaces cysteine 661 with phenylalanine.
Molecular consequence: missense variant. On other transcripts: non-coding transcript variant (1).
Genome position (GRCh38, 1-based): chr3:127,618,050, G>T. VCF-style: chr3-127618050-G-T. GRCh37 (hg19) VCF-style: chr3-127336893-G-T.
Other names: short protein forms C661F.
Identifiers: ClinVar variation 2846667 (VCV002846667.3), dbSNP rs757054802, ClinGen allele CA354392816.